The following is an entry in ClinVar:

ClinVar aggregate classification (germline): Likely pathogenic. Review status: reviewed by expert panel (3 of 4 stars). 2 submissions from 2 submitters: Likely pathogenic (1). 1 of the submissions does not count toward it. Last evaluated 2026-02-06.

Conditions:
Monogenic diabetes. Identifiers: Orphanet 183625, MedGen C3888631, MONDO:0015967.
HNF1A-related disorder. Also called: HNF1A-related condition.

Submissions (2):

ClinGen Monogenic Diabetes Variant Curation Expert Panel
Classification: Likely pathogenic for Monogenic diabetes. Last evaluated: 2026-02-06. Review status: reviewed by expert panel. Criteria: ClinGen Diabetes ACMG Specifications HNF1A V3.1.0. Collection method: curation. Allele origin: germline. Inheritance: Autosomal dominant inheritance.
Comment: The c.710A>G variant in the HNF1 homeobox A gene, HNF1A, causes an amino acid change of asparagine to serine at codon 237 (p.(Asn273Ser) of NM_000545.8. This variant is located within a conserved region of the DNA binding domain (codons 107-174 and 201-280) of HNF1A, which is defined as critical for the protein’s function by the ClinGen MDEP (PM1_Supporting). This variant is predicted to be deleterious by computational evidence, with a REVEL score of 0.706, which is greater than the MDEP VCEP threshold of 0.70 (PP3) and is absent from gnomAD v4.1.0 (PM2_Supporting). This variant was identified in 2 individuals with a clinical history highly specific for HNF1A-MODY (MODY probability calculator result >50%, negative genetic testing for HNF4A, and response to low-dose sulfonylurea) (PP4_Moderate; internal lab contributors). This variant was also identified in a total of four unrelated individuals with non-autoimmune and non-absolute/near-absolute insulin-deficient diabetes (PS4_Moderate: PMID: 30656436, internal lab contributors). This variant segregated with diabetes with 3 informative meioses in 3 families (PP1_Moderate; PMID: 30656436, internal lab contributors). Another missense variant at the same residue, c.709A>G p.Asn237Asp, has been classified as pathogenic by the ClinGen MDEP and has a smaller Grantham distance than p.Asn237Ser (PM5). In summary, c.710A>G meets the criteria to be classified as likely pathogenic for monogenic diabetes. ACMG/AMP criteria applied, as specified by the ClinGen MDEP (specification version 3.1.0, approved 10/10/25): PM1_Supporting, PM2_Supporting, PP4_Moderate, PM5, PP3, PS4_Moderate, and PP1_Moderate.

PreventionGenetics, part of Exact Sciences
Classification: Likely pathogenic for HNF1A-related condition. Last evaluated: 2026-05-26. Review status: criteria provided, single submitter. Criteria: ACMG Guidelines, 2015. Collection method: clinical testing. Allele origin: germline. Not counted in ClinVar's aggregate classification.
Comment: The HNF1A c.710A>G variant is predicted to result in the amino acid substitution p.Asn237Ser. This variant has been reported in several individuals with a clinical history or diagnosis of MODY (Colclough et al 2013. PubMed ID: 23348805; Dallali et al. 2019. PubMed ID: 30656436). Alternative variants affecting the same amino acid (p.Asn237His and p.Asn237Asp) have also been reported in association with MODY (Colclough et al 2013. PubMed ID: 23348805). This variant is interpreted as likely pathogenic by ClinGen Monogenic Diabetes Expert Panel. This variant has not been reported in a large population database, indicating this variant is rare. This variant is interpreted as likely pathogenic.

Literature cited by the submitters: PubMed 30656436 (cited by ClinGen Monogenic Diabetes Variant Curation Expert Panel).

NM_000545.8(HNF1A):c.710A>G (p.Asn237Ser)

Gene: HNF1A (HNF1 homeobox A; plus strand). Cytogenetic location: 12q24.31.
Variant type: single nucleotide variant.
Coding change: c.710A>G on transcript NM_000545.8 (MANE Select); coding-DNA position 710, A replaced by G.
Protein change: p.Asn237Ser; replaces asparagine 237 with serine.
Molecular consequence: missense variant.
Genome position (GRCh38, 1-based): chr12:120,993,703, A>G. VCF-style: chr12-120993703-A-G. GRCh37 (hg19) VCF-style: chr12-121431506-A-G.
Other names: NM_001306179.1:c.710A>G; c.710A>G, p.Asn237Ser (NM_001306179.2); c.710A>G (NM_000545.6); short protein forms N237S.
Identifiers: ClinVar variation 1676710 (VCV001676710.6), dbSNP rs1555211935, ClinGen allele CA386965461.